The following is an entry in ClinVar:

ClinVar aggregate classification (germline): Benign (1 of 4 stars; one submission).

Allele frequency attached by ClinVar (database versions not stated): gnomAD exomes 0.02662; gnomAD 0.09344 and 0.09910; 1000 Genomes Project 0.09984; TOPMed 0.10133; 1000 Genomes Project 30x 0.10212.
gnomAD v4.1: 33,055 of 851,614 alleles (3.9%); highest among the groups gnomAD compares: African/African-American, 28%; 2,498 homozygotes.

Submission:

GeneDx
Classification: Benign. Last evaluated: 2018-06-16. Review status: criteria provided, single submitter. Criteria: GeneDx Variant Classification (06012015). Collection method: clinical testing. Allele origin: germline. Affected: yes.
Comment: This variant is considered likely benign or benign based on one or more of the following criteria: it is a conservative change, it occurs at a poorly conserved position in the protein, it is predicted to be benign by multiple in silico algorithms, and/or has population frequency not consistent with disease.

NM_025114.4(CEP290):c.2217+135A>T

Gene: CEP290 (centrosomal protein 290; minus strand). Cytogenetic location: 12q21.32.
Variant type: single nucleotide variant.
Coding change: c.2217+135A>T on transcript NM_025114.4 (MANE Select); 135 bases into the intron after coding-DNA position 2217, A replaced by T.
Molecular consequence: intron variant.
Genome position (GRCh38, 1-based): chr12:88,111,559, T>A on the plus strand (A>T on the coding strand, the complement: CEP290 is on the minus strand). VCF-style: chr12-88111559-T-A. GRCh37 (hg19) VCF-style: chr12-88505336-T-A.
Identifiers: ClinVar variation 675583 (VCV000675583.1), dbSNP rs78143067, ClinGen allele CA241149463.
Genomic context (GRCh38, chr12:88,111,559, plus strand): 5'-TTTGTATTCTTTTCAATCTTATAAGGCACTTATTTTCCACTTATAATTTTATAAGAGAAA[T>A]CCAGTTTCTTAATATTGAAAGAATTAATTCAAGGGGCATTTTCTCATAAAGCATTCTTTT-3'